The following is an entry in ClinVar:

ClinVar aggregate classification (germline): Uncertain significance. Review status: criteria provided, multiple submitters, no conflicts (2 of 4 stars). 2 submissions from 2 submitters: Uncertain significance (2). Last evaluated 2025-09-06.

Conditions:
Chédiak-Higashi syndrome (CHS). Also called: Chediak-Higashi Syndrome. Identifiers: Orphanet 167, MedGen C0007965, MONDO:0008963, OMIM 214500.

Allele frequency attached by ClinVar (database versions not stated): gnomAD 0.00001.
gnomAD v4.1: 1 of 1,613,842 alleles (0.000062%); highest among the groups gnomAD compares: African/African-American, 0.0013%; no homozygotes.

Submissions (2):

Mayo Clinic Laboratories, Mayo Clinic
Classification: Uncertain significance. Last evaluated: 2025-09-06. Review status: criteria provided, single submitter. Criteria: ACMG Guidelines, 2015. Collection method: clinical testing. Allele origin: germline. Observed: 1 variant allele.

Labcorp Genetics (formerly Invitae), Labcorp
Classification: Uncertain significance for Chédiak-Higashi syndrome. Last evaluated: 2022-07-14. Review status: criteria provided, single submitter. Criteria: Invitae Variant Classification Sherloc (09022015). Collection method: clinical testing. Allele origin: germline.
Comment: This sequence change replaces histidine, which is basic and polar, with arginine, which is basic and polar, at codon 1069 of the LYST protein (p.His1069Arg). This variant is present in population databases (no rsID available, gnomAD 0.01%). This variant has not been reported in the literature in individuals affected with LYST-related conditions. Algorithms developed to predict the effect of missense changes on protein structure and function output the following: SIFT: "Tolerated"; PolyPhen-2: "Benign"; Align-GVGD: "Class C0". The arginine amino acid residue is found in multiple mammalian species, which suggests that this missense change does not adversely affect protein function. In summary, the available evidence is currently insufficient to determine the role of this variant in disease. Therefore, it has been classified as a Variant of Uncertain Significance.

NM_000081.4(LYST):c.3206A>G (p.His1069Arg)

Gene: LYST (lysosomal trafficking regulator; minus strand). Cytogenetic location: 1q42.3.
Variant type: single nucleotide variant.
Coding change: c.3206A>G on transcript NM_000081.4 (MANE Select); coding-DNA position 3206, A replaced by G.
Protein change: p.His1069Arg; replaces histidine 1069 with arginine.
Molecular consequence: missense variant.
Genome position (GRCh38, 1-based): chr1:235,805,930, T>C on the plus strand (A>G on the coding strand, the complement: LYST is on the minus strand). VCF-style: chr1-235805930-T-C. GRCh37 (hg19) VCF-style: chr1-235969230-T-C.
Other names: p.His1069Arg; c.3206A>G, p.His1069Arg (NM_001301365.1); short protein forms H1069R.
Identifiers: ClinVar variation 2188781 (VCV002188781.2), dbSNP rs1302494546, ClinGen allele CA344952600.